The following is an entry in ClinVar:

NM_004304.5(ALK):c.4145G>A (p.Arg1382Lys)

Gene: ALK (ALK receptor tyrosine kinase; minus strand). Cytogenetic location: 2p23.2.
Variant type: single nucleotide variant.
Coding change: c.4145G>A on transcript NM_004304.5 (MANE Select); coding-DNA position 4145, G replaced by A.
Protein change: p.Arg1382Lys; replaces arginine 1382 with lysine.
Molecular consequence: missense variant.
Genome position (GRCh38, 1-based): chr2:29,196,789, C>T on the plus strand (G>A on the coding strand, the complement: ALK is on the minus strand). VCF-style: chr2-29196789-C-T. GRCh37 (hg19) VCF-style: chr2-29419655-C-T.
Other names: c.941G>A, p.Arg314Lys (NM_001353765.2); short protein forms R1382K, R314K.
Identifiers: ClinVar variation 2586703 (VCV002586703.2), dbSNP rs1483651629, ClinGen allele CA346464906.

ClinVar aggregate classification (germline): Uncertain significance (1 of 4 stars; one submission).

Conditions:
Hereditary cancer-predisposing syndrome. Also called: Hereditary neoplastic syndrome; Tumor predisposition; Hereditary Cancer Syndrome; Neoplastic Syndromes, Hereditary. Identifiers: Orphanet 140162, MedGen C0027672, MeSH D009386, MONDO:0015356.

Submission:

Ambry Genetics
Classification: Uncertain significance for Hereditary cancer-predisposing syndrome. Last evaluated: 2023-08-29. Review status: criteria provided, single submitter. Criteria: Ambry Variant Classification Scheme 2023. Collection method: clinical testing. Allele origin: germline.
Comment: The p.R1382K variant (also known as c.4145G>A), located in coding exon 28 of the ALK gene, results from a G to A substitution at nucleotide position 4145. The arginine at codon 1382 is replaced by lysine, an amino acid with highly similar properties. This amino acid position is conserved. In addition, the in silico prediction for this alteration is inconclusive. Since supporting evidence is limited at this time, the clinical significance of this alteration remains unclear.